The following is an entry in ClinVar:

ClinVar aggregate classification (germline): Uncertain significance (1 of 4 stars; one submission).

gnomAD v4.1: 1 of 1,557,756 alleles (0.000064%); highest among the groups gnomAD compares: South Asian, 0.0012%; no homozygotes.

Submission:

Labcorp Genetics (formerly Invitae), Labcorp
Classification: Uncertain significance. Last evaluated: 2024-07-31. Review status: criteria provided, single submitter. Criteria: Invitae Variant Classification Sherloc (09022015). Collection method: clinical testing. Allele origin: germline.
Comment: This sequence change replaces glutamine, which is neutral and polar, with histidine, which is basic and polar, at codon 497 of the HNF1B protein (p.Gln497His). This variant is not present in population databases (gnomAD no frequency). This variant has not been reported in the literature in individuals affected with HNF1B-related conditions. Advanced modeling of protein sequence and biophysical properties (such as structural, functional, and spatial information, amino acid conservation, physicochemical variation, residue mobility, and thermodynamic stability) performed at Invitae indicates that this missense variant is not expected to disrupt HNF1B protein function with a negative predictive value of 80%. In summary, the available evidence is currently insufficient to determine the role of this variant in disease. Therefore, it has been classified as a Variant of Uncertain Significance.

NM_000458.4(HNF1B):c.1491G>C (p.Gln497His)

Gene: HNF1B (HNF1 homeobox B; minus strand). Cytogenetic location: 17q12.
Variant type: single nucleotide variant.
Coding change: c.1491G>C on transcript NM_000458.4 (MANE Select); coding-DNA position 1491, G replaced by C.
Protein change: p.Gln497His; replaces glutamine 497 with histidine.
Molecular consequence: missense variant. On other transcripts: intron variant (1).
Genome position (GRCh38, 1-based): chr17:37,701,026, C>G on the plus strand (G>C on the coding strand, the complement: HNF1B is on the minus strand). VCF-style: chr17-37701026-C-G. GRCh37 (hg19) VCF-style: chr17-36061031-C-G.
Other names: c.1413G>C, p.Gln471His (NM_001165923.4); c.1491G>C, p.Gln497His (NM_001411100.1); c.1261+3891G>C (NM_001304286.2); short protein forms Q497H, Q471H.
Identifiers: ClinVar variation 3705453 (VCV003705453.2).